The following is an entry in ClinVar:

NM_000268.4(NF2):c.777T>A (p.Asn259Lys)

Gene: NF2 (NF2, moesin-ezrin-radixin like (MERLIN) tumor suppressor; plus strand). Cytogenetic location: 22q12.2.
Variant type: single nucleotide variant.
Coding change: c.777T>A on transcript NM_000268.4 (MANE Select); coding-DNA position 777, T replaced by A.
Protein change: p.Asn259Lys; replaces asparagine 259 with lysine.
Molecular consequence: missense variant. On other transcripts: non-coding transcript variant (1), intron variant (4).
Genome position (GRCh38, 1-based): chr22:29,661,306, T>A. VCF-style: chr22-29661306-T-A. GRCh37 (hg19) VCF-style: chr22-30057295-T-A.
Other names: c.663T>A, p.Asn221Lys (NM_001407053.1, NM_001407056.1); c.654T>A, p.Asn218Lys (NM_001407054.1, NM_001407058.1, NM_181829.3); c.651T>A, p.Asn217Lys (NM_001407055.1, NM_181828.3); c.777T>A, p.Asn259Lys (NM_001407060.1, NM_001407066.1, NM_016418.5 and 2 more transcripts); c.528T>A, p.Asn176Lys (NM_001407063.1, NM_001407064.1, NM_181830.3 and 1 more transcripts); c.243T>A, p.Asn81Lys (NM_001407065.1); c.546T>A, p.Asn182Lys (NM_001407067.1); c.675+3042T>A (NM_001407059.1, NM_001407057.1); and 2 more; short protein forms N81K, N182K, N217K, N218K, N259K, N176K, N221K.
Identifiers: ClinVar variation 3879167 (VCV003879167.1).

ClinVar aggregate classification (germline): Uncertain significance (1 of 4 stars; one submission).

Conditions:
Hereditary cancer-predisposing syndrome. Also called: Tumor predisposition; Neoplastic Syndromes, Hereditary; Hereditary Cancer Syndrome; Hereditary neoplastic syndrome. Identifiers: Orphanet 140162, MedGen C0027672, MeSH D009386, MONDO:0015356.

Submission:

Ambry Genetics
Classification: Uncertain significance for Hereditary cancer-predisposing syndrome. Last evaluated: 2025-01-04. Review status: criteria provided, single submitter. Criteria: Ambry Variant Classification Scheme 2023. Collection method: clinical testing. Allele origin: germline.
Comment: The p.N259K variant (also known as c.777T>A), located in coding exon 8 of the NF2 gene, results from a T to A substitution at nucleotide position 777. The asparagine at codon 259 is replaced by lysine, an amino acid with similar properties. This amino acid position is conserved. In addition, this alteration is predicted to be tolerated by in silico analysis. Based on the available evidence, the clinical significance of this variant remains unclear.